The following is an entry in ClinVar:

ClinVar aggregate classification (germline): Uncertain significance (1 of 4 stars; one submission).

Submission:

ARUP Laboratories, Molecular Genetics and Genomics, ARUP Laboratories
Classification: Uncertain significance. Last evaluated: 2024-06-21. Review status: criteria provided, single submitter. Criteria: ARUP Molecular Germline Variant Investigation Process 2024. Collection method: clinical testing. Allele origin: germline.
Comment: The FKBP10 c.887C>T; p.Ser296Phe variant (rs1286995240), to our knowledge, is not reported in the medical literature or gene specific databases. This variant is absent from the Genome Aggregation Database (v2.1.1), indicating it is not a common polymorphism. Computational analyses are uncertain whether this variant is neutral or deleterious (REVEL: 0.602). Due to limited information, the clinical significance of this variant is uncertain at this time.

NM_021939.4(FKBP10):c.887C>T (p.Ser296Phe)

Gene: FKBP10 (FKBP prolyl isomerase 10; plus strand). Cytogenetic location: 17q21.2.
Variant type: single nucleotide variant.
Coding change: c.887C>T on transcript NM_021939.4 (MANE Select); coding-DNA position 887, C replaced by T.
Protein change: p.Ser296Phe; replaces serine 296 with phenylalanine.
Molecular consequence: missense variant.
Genome position (GRCh38, 1-based): chr17:41,819,369, C>T. VCF-style: chr17-41819369-C-T. GRCh37 (hg19) VCF-style: chr17-39975621-C-T.
Other names: short protein forms S296F.
Identifiers: ClinVar variation 3766678 (VCV003766678.1).